The following is an entry in ClinVar:

NM_020686.6(ABAT):c.366G>A (p.Ala122=)

Gene: ABAT (4-aminobutyrate aminotransferase; plus strand). Cytogenetic location: 16p13.2.
Variant type: single nucleotide variant.
Coding change: c.366G>A on transcript NM_020686.6 (MANE Select); coding-DNA position 366, G replaced by A.
Protein change: p.Ala122=; no amino-acid change (alanine 122 retained).
Molecular consequence: synonymous variant.
Genome position (GRCh38, 1-based): chr16:8,757,806, G>A. VCF-style: chr16-8757806-G-A. GRCh37 (hg19) VCF-style: chr16-8851663-G-A.
Other names: c.366G>A, p.Ala122= (NM_000663.5, NM_001127448.2, NM_001386600.1 and 10 more transcripts); c.231G>A, p.Ala77= (NM_001386610.1, NM_001386611.1, NM_001386612.1 and 1 more transcripts); c.120G>A, p.Ala40= (NM_001386614.1); c.462G>A, p.Ala154= (NM_001386615.1).
Identifiers: ClinVar variation 1434783 (VCV001434783.6), dbSNP rs866554267, ClinGen allele CA277466543.

ClinVar aggregate classification (germline): Uncertain significance (1 of 4 stars; one submission).

Conditions:
Gamma-aminobutyric acid transaminase deficiency (GABATD). Also called: GABA transaminase deficiency; Gamma aminobutyrate transaminase deficiency; 4 alpha aminobutyrate transaminase deficiency; GABA aminotransaminase deficiency. Identifiers: Orphanet 2066, MedGen C0342708, MONDO:0013166, OMIM 613163.

Allele frequency attached by ClinVar (database versions not stated): gnomAD exomes below 0.00001 and 0.00001.

Submission:

Labcorp Genetics (formerly Invitae), Labcorp
Classification: Uncertain significance for Gamma-aminobutyric acid transaminase deficiency. Last evaluated: 2026-02-02. Review status: criteria provided, single submitter. Criteria: Invitae Variant Classification Sherloc (09022015). Collection method: clinical testing. Allele origin: germline.
Comment: This sequence change affects codon 122 of the ABAT mRNA. It is a 'silent' change, meaning that it does not change the encoded amino acid sequence of the ABAT protein. This variant also falls at the last nucleotide of exon 6, which is part of the consensus splice site for this exon. This variant is present in population databases (no rsID available, gnomAD 0.0009%). This variant has not been reported in the literature in individuals affected with ABAT-related conditions. ClinVar contains an entry for this variant (Variation ID: 1434783). Variants that disrupt the consensus splice site are a relatively common cause of aberrant splicing (PMID: 17576681, 9536098). Algorithms developed to predict the effect of sequence changes on RNA splicing suggest that this variant may disrupt the consensus splice site. In summary, the available evidence is currently insufficient to determine the role of this variant in disease. Therefore, it has been classified as a Variant of Uncertain Significance.

Literature cited by the submitters: PubMed 17576681; PubMed 9536098.